The following is an entry in ClinVar:

NM_002470.4(MYH3):c.299C>T (p.Pro100Leu)

Gene: MYH3 (myosin heavy chain 3; minus strand). Cytogenetic location: 17p13.1.
Variant type: single nucleotide variant.
Coding change: c.299C>T on transcript NM_002470.4 (MANE Select); coding-DNA position 299, C replaced by T.
Protein change: p.Pro100Leu; replaces proline 100 with leucine.
Molecular consequence: missense variant.
Genome position (GRCh38, 1-based): chr17:10,652,469, G>A on the plus strand (C>T on the coding strand, the complement: MYH3 is on the minus strand). VCF-style: chr17-10652469-G-A. GRCh37 (hg19) VCF-style: chr17-10555786-G-A.
Other names: short protein forms P100L.
Identifiers: ClinVar variation 2012863 (VCV002012863.4), dbSNP rs2508647177, ClinGen allele CA398116568.
Genomic context (GRCh38, chr17:10,652,469, plus strand): 5'-CCCTCGCTGACATAGATCATCCAAGATGTGTAACGGTCCTTCAGGTTGTACAGCACGGCT[G>A]GCTCATTCAGGTGCGTCAGCATGGCCATGTCTTCGATCCTGTCGAACTTGGGGGGGTTCA-3'
Protein context (NP_002461.2, residues 90-110): DMAMLTHLNE[Pro100Leu]AVLYNLKDRY

ClinVar aggregate classification (germline): Uncertain significance (1 of 4 stars; one submission).

Submission:

Labcorp Genetics (formerly Invitae), Labcorp
Classification: Uncertain significance. Last evaluated: 2022-07-01. Review status: criteria provided, single submitter. Criteria: Invitae Variant Classification Sherloc (09022015). Collection method: clinical testing. Allele origin: germline.
Comment: In summary, the available evidence is currently insufficient to determine the role of this variant in disease. Therefore, it has been classified as a Variant of Uncertain Significance. Advanced modeling of protein sequence and biophysical properties (such as structural, functional, and spatial information, amino acid conservation, physicochemical variation, residue mobility, and thermodynamic stability) performed at Invitae indicates that this missense variant is expected to disrupt MYH3 protein function. This variant has not been reported in the literature in individuals affected with MYH3-related conditions. This variant is not present in population databases (gnomAD no frequency). This sequence change replaces proline, which is neutral and non-polar, with leucine, which is neutral and non-polar, at codon 100 of the MYH3 protein (p.Pro100Leu).